The following is an entry in ClinVar:

ClinVar aggregate classification (germline): Uncertain significance. Review status: criteria provided, multiple submitters, no conflicts (2 of 4 stars). 5 submissions from 5 submitters: Uncertain significance (4). 1 of the submissions does not count toward it. Last evaluated 2025-12-29.

Conditions:
Dilated cardiomyopathy 1JJ (CMD1JJ). Identifiers: Orphanet 154, MedGen C3808935, MONDO:0014095, OMIM 615235.
Cardiovascular phenotype. Identifiers: MedGen CN230736.
LAMA4-related disorder. Also called: LAMA4-related condition.

Allele frequency attached by ClinVar (database versions not stated): gnomAD exomes 0.00002; ExAC 0.00006; gnomAD 0.00006 and 0.00007; ESP Exome Variant Server 0.00008; TOPMed 0.00010.
gnomAD v4.1: 28 of 1,585,540 alleles (0.0018%); highest among the groups gnomAD compares: African/African-American, 0.034%; no homozygotes.

Submissions (5):

Labcorp Genetics (formerly Invitae), Labcorp
Classification: Uncertain significance for Dilated cardiomyopathy 1JJ. Last evaluated: 2025-12-29. Review status: criteria provided, single submitter. Criteria: Invitae Variant Classification Sherloc (09022015). Collection method: clinical testing. Allele origin: germline.
Comment: This sequence change replaces valine, which is neutral and non-polar, with leucine, which is neutral and non-polar, at codon 55 of the LAMA4 protein (p.Val55Leu). This variant is present in population databases (rs377370824, gnomAD 0.03%). This variant has not been reported in the literature in individuals affected with LAMA4-related conditions. ClinVar contains an entry for this variant (Variation ID: 842053). An algorithm developed to predict the effect of missense changes on protein structure and function outputs the following: PolyPhen-2: "Benign". The leucine amino acid residue is found in multiple mammalian species, which suggests that this missense change does not adversely affect protein function. In summary, the available evidence is currently insufficient to determine the role of this variant in disease. Therefore, it has been classified as a Variant of Uncertain Significance.

Clinical Genomics Laboratory, Washington University in St. Louis
Classification: Uncertain significance for Dilated cardiomyopathy 1JJ. Last evaluated: 2025-12-02. Review status: criteria provided, single submitter. Criteria: ACMG Guidelines, 2015. Collection method: clinical testing. Allele origin: germline.
Comment: A LAMA4 c.163G>T (p.Val55Leu) variant was identified in a heterozygous state. This variant, to our knowledge, has not been reported in the medical literature. It has been reported in the ClinVar database as a germline variant of uncertain significance by four of submitters (Variation ID: 842053). This variant is only observed on 3/197,306 alleles in the general population (gnomAD v2.1.1), indicating it is not a common variant. The clinical significance of this variant is uncertain.

Ambry Genetics
Classification: Uncertain significance for Cardiovascular phenotype. Last evaluated: 2025-05-20. Review status: criteria provided, single submitter. Criteria: Ambry Variant Classification Scheme 2023. Collection method: clinical testing. Allele origin: germline.

GeneDx
Classification: Uncertain significance. Last evaluated: 2019-04-19. Review status: criteria provided, single submitter. Criteria: GeneDx Variant Classification Process June 2021. Collection method: clinical testing. Allele origin: germline. Affected: yes.
Comment: Has not been previously published as pathogenic or benign to our knowledge; Not observed at a significant frequency in large population cohorts (Lek et al., 2016); In silico analysis, which includes protein predictors and evolutionary conservation, supports that this variant does not alter protein structure/function

PreventionGenetics, part of Exact Sciences
Classification: Uncertain significance for LAMA4-related condition. Last evaluated: 2024-07-19. Review status: no assertion criteria provided. Collection method: clinical testing. Allele origin: germline. Not counted in ClinVar's aggregate classification.
Comment: The LAMA4 c.163G>T variant is predicted to result in the amino acid substitution p.Val55Leu. To our knowledge, this variant has not been reported in the literature. This variant is reported in 0.017% of alleles in individuals of African descent in gnomAD. At this time, the clinical significance of this variant is uncertain due to the absence of conclusive functional and genetic evidence.

NM_001105206.3(LAMA4):c.163G>T (p.Val55Leu)

Genes: LAMA4-AS1 (LAMA4 antisense RNA 1; plus strand), LAMA4 (laminin subunit alpha 4; minus strand). Cytogenetic location: 6q21.
Variant type: single nucleotide variant.
Coding change: c.163G>T on transcript NM_001105206.3 (MANE Select); coding-DNA position 163, G replaced by T.
Protein change: p.Val55Leu; replaces valine 55 with leucine.
Molecular consequence: missense variant.
Genome position (GRCh38, 1-based): chr6:112,253,988, C>A on the plus strand (G>T on the coding strand, the complement: LAMA4 is on the minus strand). VCF-style: chr6-112253988-C-A. GRCh37 (hg19) VCF-style: chr6-112575190-C-A.
Other names: c.163G>T, p.Val55Leu (NM_001105207.3, NM_001105208.3, NM_001105209.3 and 1 more transcripts); short protein forms V55L.
Identifiers: ClinVar variation 842053 (VCV000842053.17), dbSNP rs377370824, ClinGen allele CA3966325.